The following is an entry in ClinVar:

NM_004006.3(DMD):c.3794G>A (p.Trp1265Ter)

Gene: DMD (dystrophin; minus strand). Cytogenetic location: Xp21.1.
Variant type: single nucleotide variant.
Coding change: c.3794G>A on transcript NM_004006.3 (MANE Select); coding-DNA position 3794, G replaced by A.
Protein change: p.Trp1265Ter; replaces tryptophan 1265 with a stop codon.
Molecular consequence: nonsense.
Genome position (GRCh38, 1-based): chrX:32,441,307, C>T on the plus strand (G>A on the coding strand, the complement: DMD is on the minus strand). VCF-style: chrX-32441307-C-T. GRCh37 (hg19) VCF-style: chrX-32459424-C-T.
Other names: NC_000023.10:g.32459424C>T; c.3770G>A, p.Trp1257Ter (NM_000109.4); c.3782G>A, p.Trp1261Ter (NM_004009.3); c.3425G>A, p.Trp1142Ter (NM_004010.3); short protein forms W1142*, W1257*, W1261*, W1265*.
Identifiers: ClinVar variation 3375032 (VCV003375032.3).

ClinVar aggregate classification (germline): Pathogenic/Likely pathogenic. Review status: criteria provided, multiple submitters, no conflicts (2 of 4 stars). 2 submissions from 2 submitters: Pathogenic (1); Likely pathogenic (1). Last evaluated 2024-09-05.

Conditions:
Neuromuscular disease caused by qualitative or quantitative defects of dystrophin. Also called: Qualitative or quantitative defects of dystrophin. Identifiers: Orphanet 207085, MedGen C5679787, MONDO:0016147.
Becker muscular dystrophy, Cardiomyopathy, Duchenne muscular dystrophy, Dystrophin deficiency.

Submissions (3):

Women's Health and Genetics/Laboratory Corporation of America, LabCorp
Classification: Pathogenic for Neuromuscular disease caused by qualitative or quantitative defects of dystrophin. Last evaluated: 2024-09-05. Review status: criteria provided, single submitter. Criteria: LabCorp Variant Classification Summary - May 2015. Collection method: clinical testing. Allele origin: germline.
Comment: Variant summary: DMD c.3794G>A (p.Trp1265X) results in a premature termination codon, predicted to cause a truncation of the encoded protein or absence of the protein due to nonsense mediated decay, which are commonly known mechanisms for disease. The variant was absent in 182332 control chromosomes (gnomAD). To our knowledge, no occurrence of c.3794G>A in individuals affected with Dystrophinopathies and no experimental evidence demonstrating its impact on protein function have been reported. No submitters have cited clinical-significance assessments for this variant to ClinVar. Based on the evidence outlined above, the variant was classified as pathogenic.

Natera, Inc.
Classification: Likely pathogenic for Becker muscular dystrophy, Cardiomyopathy, Duchenne muscular dystrophy, Dystrophin deficiency. Last evaluated: 2024-07-26. Review status: criteria provided, single submitter. Criteria: Natera Variant Classification Schema (03/2026). Collection method: clinical testing. Allele origin: germline.
Comment: The c.3794G>A variant in DMD is a nonsense variant predicted to introduce a stop codon at amino acid 1265. This variant is expected to result in nonsense mediated decay, truncation, or a dysfunctional protein product. This variant is rare in the general population with a frequency below the threshold expected for the associated phenotype(s). Given the available evidence, this variant is classified as Likely Pathogenic.

Dr. Peter K. Rogan Lab, Western University
No classification provided (evidence only). Condition: Nonpapillary renal cell carcinoma. Review status: no classification provided. Collection method: in vitro. Allele origin: not applicable. Functional consequence: retained intron. Not counted in ClinVar's aggregate classification.